The following is an entry in ClinVar:

ClinVar aggregate classification (germline): Likely benign. Review status: criteria provided, multiple submitters, no conflicts (2 of 4 stars). 2 submissions from 2 submitters: Likely benign (2). Last evaluated 2025-07-31.

Conditions:
COL4A1-related disorder. Also called: COL4A1-related condition; COL4A1-related disorders. Identifiers: MedGen CN376119, MONDO:0800461.

Allele frequency attached by ClinVar (database versions not stated): TOPMed below 0.00001; gnomAD exomes 0.00001; ExAC 0.00002; gnomAD 0.00002; 1000 Genomes Project 30x 0.00016; 1000 Genomes Project 0.00020.
gnomAD v4.1: 25 of 1,613,840 alleles (0.0015%); highest among the groups gnomAD compares: East Asian, 0.022%; no homozygotes.

Submissions (2):

PreventionGenetics, part of Exact Sciences
Classification: Likely benign for COL4A1-related condition. Last evaluated: 2025-07-31. Review status: criteria provided, single submitter. Criteria: ACMG Guidelines, 2015. Collection method: clinical testing. Allele origin: germline.
Comment: This variant is classified as likely benign based on ACMG/AMP sequence variant interpretation guidelines (Richards et al. 2015 PMID: 25741868, with internal and published modifications).

Labcorp Genetics (formerly Invitae), Labcorp
Classification: Likely benign. Last evaluated: 2024-07-31. Review status: criteria provided, single submitter. Criteria: Invitae Variant Classification Sherloc (09022015). Collection method: clinical testing. Allele origin: germline.

NM_001845.6(COL4A1):c.2148G>A (p.Pro716=)

Gene: COL4A1 (collagen type IV alpha 1 chain; minus strand). Cytogenetic location: 13q34.
Variant type: single nucleotide variant.
Coding change: c.2148G>A on transcript NM_001845.6 (MANE Select); coding-DNA position 2148, G replaced by A.
Protein change: p.Pro716=; no amino-acid change (proline 716 retained).
Molecular consequence: synonymous variant.
Genome position (GRCh38, 1-based): chr13:110,181,337, C>T on the plus strand (G>A on the coding strand, the complement: COL4A1 is on the minus strand). VCF-style: chr13-110181337-C-T. GRCh37 (hg19) VCF-style: chr13-110833684-C-T.
Other names: c.2148G>A (NM_001845.5).
Identifiers: ClinVar variation 2174559 (VCV002174559.5), dbSNP rs565395841, ClinGen allele CA7047687.
Genomic context (GRCh38, chr13:110,181,337, plus strand): 5'-ATGCTTGGCACTCACCTTCTGGCCCTGCACACCTGGGTTCCCAGGTAAGCCATTAAATCC[C>T]GGGCGACCTGGAGTCCCCGGTGGCCCCATGTCTCCAGGTAAGCCGTCAACACCTGTTTTA-3'
Protein context (NP_001836.3, residues 706-726): DMGPPGTPGR[Pro716=]GFNGLPGNPG